The following is an entry in ClinVar:

NM_001025356.3(ANO6):c.2553C>T (p.Phe851=)

Gene: ANO6 (anoctamin 6; plus strand). Cytogenetic location: 12q12.
Variant type: single nucleotide variant.
Coding change: c.2553C>T on transcript NM_001025356.3 (MANE Select); coding-DNA position 2553, C replaced by T.
Protein change: p.Phe851=; no amino-acid change (phenylalanine 851 retained).
Molecular consequence: synonymous variant. On other transcripts: intron variant (1).
Genome position (GRCh38, 1-based): chr12:45,429,131, C>T. VCF-style: chr12-45429131-C-T. GRCh37 (hg19) VCF-style: chr12-45822914-C-T.
Other names: p.Phe851=; c.2499C>T, p.Phe833= (NM_001142678.2); c.2616C>T, p.Phe872= (NM_001204803.2); c.2520C>T, p.Phe840= (NM_001410973.1); c.2526+6069C>T (NM_001142679.2).
Identifiers: ClinVar variation 4683752 (VCV004683752.2).

ClinVar aggregate classification (germline): Likely benign. Review status: criteria provided, multiple submitters, no conflicts (2 of 4 stars). 2 submissions from 2 submitters: Likely benign (2). Last evaluated 2025-09-14.

gnomAD v4.1: 43 of 1,613,558 alleles (0.0027%); highest among the groups gnomAD compares: Non-Finnish European, 0.0036%; no homozygotes.

Submissions (2):

Labcorp Genetics (formerly Invitae), Labcorp
Classification: Likely benign. Last evaluated: 2025-09-14. Review status: criteria provided, single submitter. Criteria: Invitae Variant Classification Sherloc (09022015). Collection method: clinical testing. Allele origin: germline.

Mayo Clinic Laboratories, Mayo Clinic
Classification: Likely benign. Last evaluated: 2025-01-02. Review status: criteria provided, single submitter. Criteria: ACMG Guidelines, 2015. Collection method: clinical testing. Allele origin: germline. Observed: 1 variant allele.
Comment: BP4, BP7